The following is an entry in ClinVar:

NM_020884.7(MYH7B):c.-54G>A

Gene: MYH7B (myosin heavy chain 7B; plus strand). Cytogenetic location: 20q11.22.
Variant type: single nucleotide variant.
Coding change: c.-54G>A on transcript NM_020884.7 (MANE Select); 54 bases upstream of the start codon, G replaced by A.
Molecular consequence: 5 prime UTR variant.
Genome position (GRCh38, 1-based): chr20:34,977,952, G>A. VCF-style: chr20-34977952-G-A. GRCh37 (hg19) VCF-style: chr20-33565755-G-A.
Other names: c.73G>A (NM_020884.4).
Identifiers: ClinVar variation 1570582 (VCV001570582.11), dbSNP rs11906160, ClinGen allele CA9826267.
Genomic context (GRCh38, chr20:34,977,952, plus strand): 5'-ATCGTGCCCTAGTTCAGCTCCCTTGTCACTGCCATCTTCCAGTGCCTGCTGCCTTGGGCC[G>A]CCTTGAACCTCCAGGGTTTCCAGCTCCTCCTCCTTCACCCCAGTGCCACTGCCATGATGG-3'

ClinVar aggregate classification (germline): Benign. Review status: criteria provided, multiple submitters, no conflicts (2 of 4 stars). 3 submissions from 3 submitters: Benign (2). 1 of the submissions does not count toward it. Last evaluated 2026-02-03.

Conditions:
MYH7B-related disorder. Also called: MYH7B-related condition.

Allele frequency attached by ClinVar (database versions not stated): gnomAD exomes 0.11113 and 0.12262; ExAC 0.12891; gnomAD 0.15442 and 0.15725; 1000 Genomes Project 30x 0.15974; TOPMed 0.15417; ESP Exome Variant Server 0.15471; 1000 Genomes Project 0.15615.
gnomAD v4.1: 186,250 of 1,613,514 alleles (12%); highest among the groups gnomAD compares: African/African-American, 27%; 12,161 homozygotes.

Submissions (3):

Labcorp Genetics (formerly Invitae), Labcorp
Classification: Benign. Last evaluated: 2026-02-03. Review status: criteria provided, single submitter. Criteria: Invitae Variant Classification Sherloc (09022015). Collection method: clinical testing. Allele origin: germline.

Breakthrough Genomics
Classification: Benign. Review status: criteria provided, single submitter. Criteria: ACMG Guidelines, 2015. Collection method: not provided. Allele origin: germline. Inheritance: Unknown mechanism. Affected: yes.

PreventionGenetics, part of Exact Sciences
Classification: Benign for MYH7B-related condition. Last evaluated: 2019-12-20. Review status: no assertion criteria provided. Collection method: clinical testing. Allele origin: germline. Not counted in ClinVar's aggregate classification.
Comment: This variant is classified as benign based on ACMG/AMP sequence variant interpretation guidelines (Richards et al. 2015 PMID: 25741868, with internal and published modifications).